The following is an entry in ClinVar:

ClinVar aggregate classification (germline): Pathogenic. Review status: criteria provided, multiple submitters, no conflicts (2 of 4 stars). 2 submissions from 2 submitters: Pathogenic (2). Last evaluated 2021-11-04.

Conditions:
Hereditary cancer-predisposing syndrome. Also called: Neoplastic Syndromes, Hereditary; Tumor predisposition; Hereditary Cancer Syndrome; Hereditary neoplastic syndrome. Identifiers: Orphanet 140162, MedGen C0027672, MeSH D009386, MONDO:0015356.
Ataxia-telangiectasia syndrome (AT). Also called: Ataxia telangiectasia (A-T); Ataxia-telangiectasia, complementation group D; AT, COMPLEMENTATION GROUP C; ATAXIA-TELANGIECTASIA, COMPLEMENTATION GROUP A; Ataxia-telangiectasia, complementation group E; ATAXIA-TELANGIECTASIA, FRESNO VARIANT. Identifiers: Orphanet 100, MedGen C0004135, MONDO:0008840, OMIM 208900.

Submissions (2):

Ambry Genetics
Classification: Pathogenic for Hereditary cancer-predisposing syndrome. Last evaluated: 2021-11-04. Review status: criteria provided, single submitter. Criteria: Ambry Variant Classification Scheme 2023. Collection method: clinical testing. Allele origin: germline.
Comment: The c.4343_4344delTAinsGTT pathogenic mutation, located in coding exon 28 of the ATM gene, results from the deletion of two nucleotides and insertion of 3 nucleotides causing a translational frameshift with a predicted alternate stop codon (p.L1448Cfs*43). This alteration is expected to result in loss of function by premature protein truncation or nonsense-mediated mRNA decay. As such, this alteration is interpreted as a disease-causing mutation.

Labcorp Genetics (formerly Invitae), Labcorp
Classification: Pathogenic for Ataxia-telangiectasia syndrome. Last evaluated: 2018-04-08. Review status: criteria provided, single submitter. Criteria: Invitae Variant Classification Sherloc (09022015). Collection method: clinical testing. Allele origin: germline.
Comment: For these reasons, this variant has been classified as Pathogenic. Loss-of-function variants in ATM are known to be pathogenic (PMID: 23807571, 25614872). This variant has not been reported in the literature in individuals with ATM-related disease. This variant is not present in population databases (ExAC no frequency). This sequence change creates a premature translational stop signal (p.Leu1448Cysfs*43) in the ATM gene. It is expected to result in an absent or disrupted protein product.

Literature cited by the submitters: PubMed 23807571 (cited by Labcorp Genetics (formerly Invitae), Labcorp); PubMed 25614872 (cited by Labcorp Genetics (formerly Invitae), Labcorp).

NM_000051.4(ATM):c.4343_4344delinsGTT (p.Leu1448fs)

Gene: ATM (ATM serine/threonine kinase; plus strand). Cytogenetic location: 11q22.3.
Variant type: Indel.
Coding change: c.4343_4344delinsGTT on transcript NM_000051.4 (MANE Select); coding-DNA positions 4343 to 4344, TA replaced by GTT.
Protein change: p.Leu1448fs; shifts the reading frame from leucine 1448.
Molecular consequence: frameshift variant.
Genome position (GRCh38, 1-based): chr11:108,289,708-108,289,709, TA replaced by GTT. VCF-style: chr11-108289708-TA-GTT. GRCh37 (hg19) VCF-style: chr11-108160435-TA-GTT.
Other names: c.4343_4344delinsGTT, p.Leu1448fs (NM_001351834.2); short protein forms L1448fs.
Identifiers: ClinVar variation 567153 (VCV000567153.8), dbSNP rs1565456465, ClinGen allele CA891842922.
Genomic context (GRCh38, chr11:108,289,708, plus strand): 5'-AAACAAATAATGTTTATAAGAAGCACAGAATTCTTAAAATATATCACCTGTTTGTTAGTT[TA>GTT]TTACTGAAAGATATAAAAAGTGGCTTAGGAGGAGCTTGGGCCTTTGTTCTTCGAGACGTT-3'